The following is an entry in ClinVar:

ClinVar aggregate classification (germline): Pathogenic/Likely pathogenic. Review status: criteria provided, multiple submitters, no conflicts (2 of 4 stars). 3 submissions from 2 submitters: Pathogenic (1); Likely pathogenic (2). Last evaluated 2021-09-20.

Conditions:
Ehlers-Danlos syndrome, classic type, 1 (EDSCL1). Also called: Ehlers-Danlos syndrome, type 1; Ehlers-Danlos Syndrome, Classic Type, COL5A1-Related; EDS I; EHLERS-DANLOS SYNDROME, GRAVIS TYPE; EHLERS-DANLOS SYNDROME, SEVERE CLASSIC TYPE. Identifiers: MedGen C0268335, MONDO:0019567, OMIM 130000.
Ehlers-Danlos syndrome, classic type (cEDS). Identifiers: Orphanet 287, MedGen C4225429, MONDO:0007522.
Fibromuscular dysplasia, multifocal. Identifiers: MedGen C5543412, MONDO:0859151, OMIM 619329.

Submissions (3):

Labcorp Genetics (formerly Invitae), Labcorp
Classification: Pathogenic for Ehlers-Danlos syndrome, classic type, 1. Last evaluated: 2021-09-20. Review status: criteria provided, single submitter. Criteria: Invitae Variant Classification Sherloc (09022015). Collection method: clinical testing. Allele origin: germline.
Comment: ClinVar contains an entry for this variant (Variation ID: 827999). For these reasons, this variant has been classified as Pathogenic. This variant disrupts a region of the COL5A1 protein in which other variant(s) (p.Gln1825*) have been determined to be pathogenic (Invitae). This suggests that this is a clinically significant region of the protein, and that variants that disrupt it are likely to be disease-causing. This variant has not been reported in the literature in individuals affected with COL5A1-related conditions. This variant is not present in population databases (ExAC no frequency). This sequence change creates a premature translational stop signal (p.Gln1796*) in the COL5A1 gene. While this is not anticipated to result in nonsense mediated decay, it is expected to disrupt the last 43 amino acid(s) of the COL5A1 protein.

Center for Genomics, Ann and Robert H. Lurie Children's Hospital of Chicago
Classification: Likely pathogenic for Ehlers-Danlos syndrome, classic type, 1. Last evaluated: 2019-07-01. Review status: criteria provided, single submitter. Criteria: ACMG Guidelines, 2015. Collection method: clinical testing. Allele origin: germline.
Comment: COL5A1 NM_000093.4 exon 66 p.Gln1796* (c.5386C>T): This variant has not been reported in the literature and is not present in large control databases. Evolutionary conservation and computational predictive tools for this variant are limited or unavailable. This variant creates a premature stop at this codon which results in an absent or abnormal protein. Loss of function variants are a known mechanism of disease for this gene (Wenstrup 2000 PMID:10777716). However, this variant occurs within the last exon of this gene; due to its position, it is possible that this protein may escape nonsense mediated decay, but would still result in an abnormal truncated protein. Further studies are needed to understand its impact. Therefore, this variant is classified as likely pathogenic.

Center for Genomics, Ann and Robert H. Lurie Children's Hospital of Chicago
Classification: Likely pathogenic for Ehlers-Danlos syndrome, classic type, 1; Fibromuscular dysplasia, multifocal. Review status: criteria provided, single submitter. Criteria: ACMG Guidelines, 2015. Collection method: clinical testing. Allele origin: germline.
Comment: the same text as in the submission from Center for Genomics, Ann and Robert H. Lurie Children's Hospital of Chicago above.

NM_000093.5(COL5A1):c.5386C>T (p.Gln1796Ter)

Genes: COL5A1 (collagen type V alpha 1 chain; plus strand), LOC101448202 (uncharacterized LOC101448202; minus strand). Cytogenetic location: 9q34.3.
Variant type: single nucleotide variant.
Coding change: c.5386C>T on transcript NM_000093.5 (MANE Select); coding-DNA position 5386, C replaced by T.
Protein change: p.Gln1796Ter; replaces glutamine 1796 with a stop codon.
Molecular consequence: nonsense.
Genome position (GRCh38, 1-based): chr9:134,842,172, C>T. VCF-style: chr9-134842172-C-T. GRCh37 (hg19) VCF-style: chr9-137734018-C-T.
Other names: c.5386C>T, p.Gln1796Ter (NM_001278074.1); short protein forms Q1796*.
Identifiers: ClinVar variation 827999 (VCV000827999.10), dbSNP rs1588621711, ClinGen allele CA375461742.